The following is an entry in ClinVar:

NM_001025356.3(ANO6):c.2674G>T (p.Val892Leu)

Gene: ANO6 (anoctamin 6; plus strand). Cytogenetic location: 12q12.
Variant type: single nucleotide variant.
Coding change: c.2674G>T on transcript NM_001025356.3 (MANE Select); coding-DNA position 2674, G replaced by T.
Protein change: p.Val892Leu; replaces valine 892 with leucine.
Molecular consequence: missense variant. On other transcripts: intron variant (1).
Genome position (GRCh38, 1-based): chr12:45,429,252, G>T. VCF-style: chr12-45429252-G-T. GRCh37 (hg19) VCF-style: chr12-45823035-G-T.
Other names: p.Val892Leu; c.2620G>T, p.Val874Leu (NM_001142678.2); c.2737G>T, p.Val913Leu (NM_001204803.2); c.2641G>T, p.Val881Leu (NM_001410973.1); c.2526+6190G>T (NM_001142679.2); short protein forms V881L, V913L, V874L, V892L.
Identifiers: ClinVar variation 2121762 (VCV002121762.5), dbSNP rs60329053, ClinGen allele CA6525692.
Genomic context (GRCh38, chr12:45,429,252, plus strand): 5'-TACCTAACCCAAAAGCTTCTTCATGAGAATCACCTCAAAGATATGACGAAAAATATGGGG[G>T]TGATAGCTGAGCGGATGATAGAAGCAGTAGATAACAATTTACGGCCAAAATCAGAATAAG-3'
Protein context (NP_001020527.2, residues 882-902): HLKDMTKNMG[Val892Leu]IAERMIEAVD

ClinVar aggregate classification (germline): Likely benign. Review status: criteria provided, multiple submitters, no conflicts (2 of 4 stars). 2 submissions from 2 submitters: Likely benign (2). Last evaluated 2025-11-01.

Allele frequency attached by ClinVar (database versions not stated): 1000 Genomes Project 30x 0.00047.
gnomAD v4.1: 92 of 1,613,906 alleles (0.0057%); highest among the groups gnomAD compares: African/African-American, 0.11%; no homozygotes.

Submissions (2):

Labcorp Genetics (formerly Invitae), Labcorp
Classification: Likely benign. Last evaluated: 2025-11-01. Review status: criteria provided, single submitter. Criteria: Invitae Variant Classification Sherloc (09022015). Collection method: clinical testing. Allele origin: germline.

Mayo Clinic Laboratories, Mayo Clinic
Classification: Likely benign. Last evaluated: 2024-06-12. Review status: criteria provided, single submitter. Criteria: ACMG Guidelines, 2015. Collection method: clinical testing. Allele origin: germline. Observed: 2 variant alleles.
Comment: BS1, BP4